The following is an entry in ClinVar:

NM_000834.5(GRIN2B):c.2459G>C (p.Gly820Ala)

Gene: GRIN2B (glutamate ionotropic receptor NMDA type subunit 2B; minus strand). Cytogenetic location: 12p13.1.
Variant type: single nucleotide variant.
Coding change: c.2459G>C on transcript NM_000834.5 (MANE Select); coding-DNA position 2459, G replaced by C.
Protein change: p.Gly820Ala; replaces glycine 820 with alanine.
Molecular consequence: missense variant.
Genome position (GRCh38, 1-based): chr12:13,567,164, C>G on the plus strand (G>C on the coding strand, the complement: GRIN2B is on the minus strand). VCF-style: chr12-13567164-C-G. GRCh37 (hg19) VCF-style: chr12-13720098-C-G.
Other names: NP_000825.2:p.(Gly820Ala); short protein forms G820A.
Identifiers: ClinVar variation 208643 (VCV000208643.26), dbSNP rs797044849, ClinGen allele CA204589.

ClinVar aggregate classification (germline): Pathogenic/Likely pathogenic. Review status: criteria provided, multiple submitters, no conflicts (2 of 4 stars). 13 submissions from 13 submitters: Pathogenic (8); Likely pathogenic (2). 3 of the submissions do not count toward it. Last evaluated 2025-10-04.

Conditions:
Complex neurodevelopmental disorder. Identifiers: Orphanet 528084, MedGen C5568766, MONDO:0100038.
Developmental and epileptic encephalopathy. Identifiers: MedGen C5779964, MONDO:0100620.
Inborn genetic diseases. Identifiers: MedGen C0950123, MeSH D030342.
Intellectual developmental disorder, autosomal dominant 6, with or without seizures. Also called: Intellectual disability, autosomal dominant 6; GRIN2B-related developmental delay, intellectual disability and autism spectrum disorder. Identifiers: Orphanet 589547, MedGen C3151411, MONDO:0013509, OMIM 613970.
Developmental and epileptic encephalopathy, 27 (DEE27). Also called: Epileptic encephalopathy, early infantile, 27; GRIN2B-Related Neurodevelopmental Disorder. Identifiers: Orphanet 3451, MedGen C4015316, MONDO:0014505, OMIM 616139.

Allele frequency attached by ClinVar (database versions not stated): gnomAD exomes below 0.00001.

Submissions (13):

Labcorp Genetics (formerly Invitae), Labcorp
Classification: Pathogenic for Developmental and epileptic encephalopathy, 27; Intellectual developmental disorder, autosomal dominant 6, with or without seizures. Last evaluated: 2025-10-04. Review status: criteria provided, single submitter. Criteria: Invitae Variant Classification Sherloc (09022015). Collection method: clinical testing. Allele origin: germline.
Comment: This sequence change replaces glycine, which is neutral and non-polar, with alanine, which is neutral and non-polar, at codon 820 of the GRIN2B protein (p.Gly820Ala). This variant is present in population databases (rs797044849, gnomAD 0.0009%). This missense change has been observed in individual(s) with clinical features of epileptic encephalopathy and developmental delay (PMID: 28856709; internal data). In at least one individual the variant was observed to be de novo. ClinVar contains an entry for this variant (Variation ID: 208643). Invitae Evidence Modeling of protein sequence and biophysical properties (such as structural, functional, and spatial information, amino acid conservation, physicochemical variation, residue mobility, and thermodynamic stability) indicates that this missense variant is expected to disrupt GRIN2B protein function with a positive predictive value of 95%. This variant disrupts the p.Gly820 amino acid residue in GRIN2B. Other variant(s) that disrupt this residue have been determined to be pathogenic (PMID: 25356899). This suggests that this residue is clinically significant, and that variants that disrupt this residue are likely to be disease-causing. For these reasons, this variant has been classified as Pathogenic.

Ambry Genetics
Classification: Pathogenic for Inborn genetic diseases. Last evaluated: 2024-11-22. Review status: criteria provided, single submitter. Criteria: Ambry Variant Classification Scheme 2023. Collection method: clinical testing. Allele origin: germline.
Comment: The c.2459G>C (p.G820A) alteration is located in exon 12 (coding exon 11) of the GRIN2B gene. This alteration results from a G to C substitution at nucleotide position 2459, causing the glycine (G) at amino acid position 820 to be replaced by an alanine (A). This allele was reported in one heterozygous individual in population-based cohorts in the Genome Aggregation Database (gnomAD). This variant has been determined to be the results of a de novo alteration in multiple individuals with features consistent with GRIN2B-related neurodevelopmental disorder (Platzer, 2017; Ambry internal data). This amino acid position is highly conserved in available vertebrate species. This missense alteration is located in a region that has a low rate of benign missense variation (Lek, 2016; Firth, 2009). This alteration is predicted to be deleterious by in silico analysis. Based on the available evidence, this alteration is classified as pathogenic.

Revvity Omics, Revvity
Classification: Pathogenic. Last evaluated: 2024-06-25. Review status: criteria provided, single submitter. Criteria: ACMG Guidelines, 2015. Collection method: clinical testing. Allele origin: germline.

3billion
Classification: Pathogenic for Intellectual developmental disorder, autosomal dominant 6, with or without seizures. Last evaluated: 2024-03-13. Review status: criteria provided, single submitter. Criteria: ACMG Guidelines, 2015. Collection method: clinical testing. Allele origin: germline. Affected: yes.
Comment: The variant is observed at an extremely low frequency in the gnomAD v2.1.1 dataset (total allele frequency: <0.001%). Predicted Consequence/Location: Missense changes are a common disease-causing mechanism. In silico tool predictions suggest damaging effect of the variant on gene or gene product [REVEL: 0.84 (>=0.6, sensitivity 0.68 and specificity 0.92); 3Cnet: 0.94 (>=0.6, sensitivity 0.72 and precision 0.9)]. Same nucleotide change resulting in same amino acid change has been previously reported as pathogenic/likely pathogenic with strong evidence (ClinVar ID: VCV000208643 /PMID: 28867141). The variant has been previously reported as de novo in a similarly affected individual (PMID: 25533962, 28867141). Different missense changes at the same codon (p.Gly820Arg, p.Gly820Glu, p.Gly820Val) have been reported as pathogenic/likely pathogenic with strong evidence (ClinVar ID: VCV000234635, VCV000521172, VCV000546296, VCV000580700 /PMID: 25356899, 28377535, 31628766 /3billion dataset). Therefore, this variant is classified as Pathogenic according to the recommendation of ACMG/AMP guideline.

Unidad de Genómica Garrahan, Hospital de Pediatría Garrahan
Classification: Pathogenic for Developmental and epileptic encephalopathy. Last evaluated: 2024-01-01. Review status: criteria provided, single submitter. Criteria: ACMG Guidelines, 2015. Collection method: clinical testing. Allele origin: germline. Affected: yes. Observed: 1 variant allele.
Comment: ACMG/AMP criteria applied: PS3, PM1, PM2, PM5, PM6, PP2, PP3.

Greenwood Genetic Center Diagnostic Laboratories, Greenwood Genetic Center
Classification: Pathogenic for Intellectual developmental disorder, autosomal dominant 6, with or without seizures. Last evaluated: 2023-02-21. Review status: criteria provided, single submitter. Criteria: ACMG Guidelines, 2015. Collection method: clinical testing. Allele origin: germline. Affected: yes.
Comment: PS3_Moderate, PM2, PM6_Strong, PP2, PP3

Laboratory of Medical Genetics, National & Kapodistrian University of Athens
Classification: Pathogenic for Intellectual developmental disorder, autosomal dominant 6, with or without seizures. Last evaluated: 2021-10-01. Review status: criteria provided, single submitter. Criteria: ACMG Guidelines, 2015. Collection method: clinical testing. Allele origin: unknown. Affected: yes.
Comment: PS2, PM1, PM2, PM5, PP2, PP3

GeneDx
Classification: Pathogenic. Last evaluated: 2021-04-01. Review status: criteria provided, single submitter. Criteria: GeneDx Variant Classification Process June 2021. Collection method: clinical testing. Allele origin: germline. Affected: yes.
Comment: Published functional studies demonstrate that G820A stabilizes long-lived open states leading to slow deactivation and high Ca2+ permeability (Amin et al., 2018); This variant is associated with the following publications: (PMID: 28867141, 27818011, 28135719, 28856709, 28377535, 29681796, 30217972, 28191890, 33490948, 32144935, 33176815)

Undiagnosed Diseases Network, NIH
Classification: Likely pathogenic for Intellectual developmental disorder, autosomal dominant 6, with or without seizures. Last evaluated: 2019-02-08. Review status: criteria provided, single submitter. Criteria: ACMG Guidelines, 2015. Collection method: clinical testing. Allele origin: unknown. Inheritance: Autosomal dominant inheritance. Affected: yes. Observed: 1 variant allele, 1 heterozygote. Study: Undiagnosed Diseases Network (NIH), UDN.

Institute of Human Genetics, University of Leipzig Medical Center
Classification: Likely pathogenic for Intellectual developmental disorder, autosomal dominant 6, with or without seizures. Last evaluated: 2017-04-04. Review status: criteria provided, single submitter. Criteria: ACMG Guidelines, 2015. Collection method: clinical testing. Allele origin: de novo. Affected: yes.
Comment: This variant was identified as de novo (maternity and paternity confirmed).

Diagnostic Laboratory, Department of Genetics, University Medical Center Groningen
Classification: Pathogenic. Review status: no assertion criteria provided. Collection method: clinical testing. Allele origin: germline. Affected: yes. Study: VKGL Data-share Consensus. Not counted in ClinVar's aggregate classification.

Genome Diagnostics Laboratory, University Medical Center Utrecht
Classification: Pathogenic. Review status: no assertion criteria provided. Collection method: clinical testing. Allele origin: germline. Affected: yes. Study: VKGL Data-share Consensus. Not counted in ClinVar's aggregate classification.

Joint Genome Diagnostic Labs from Nijmegen and Maastricht, Radboudumc and MUMC+
Classification: Pathogenic. Review status: no assertion criteria provided. Collection method: clinical testing. Allele origin: germline. Affected: yes. Study: VKGL Data-share Consensus. Not counted in ClinVar's aggregate classification.

Literature cited by the submitters: PubMed 28856709 (cited by Labcorp Genetics (formerly Invitae), Labcorp and Ambry Genetics); PubMed 25356899 (cited by 3 submitters); PubMed 24272827 (cited by Ambry Genetics); PubMed 28191890 (cited by Ambry Genetics); PubMed 28377535 (cited by Ambry Genetics and Institute of Human Genetics, University of Leipzig Medical Center); PubMed 30217972 (cited by Ambry Genetics); PubMed 28867141 (cited by 3billion); PubMed 25533962 (cited by 3billion); PubMed 34008892 (cited by Laboratory of Medical Genetics, National & Kapodistrian University of Athens).